The following is an entry in ClinVar:

NM_001127208.3(TET2):c.2984C>T (p.Thr995Ile)

Genes: TET2 (tet methylcytosine dioxygenase 2; plus strand), TET2-AS1 (TET2 antisense RNA 1; minus strand). Cytogenetic location: 4q24.
Variant type: single nucleotide variant.
Coding change: c.2984C>T on transcript NM_001127208.3 (MANE Select); coding-DNA position 2984, C replaced by T.
Protein change: p.Thr995Ile; replaces threonine 995 with isoleucine.
Molecular consequence: missense variant.
Genome position (GRCh38, 1-based): chr4:105,236,926, C>T. VCF-style: chr4-105236926-C-T. GRCh37 (hg19) VCF-style: chr4-106158083-C-T.
Other names: c.2984C>T, p.Thr995Ile (NM_017628.4); short protein forms T995I.
Identifiers: ClinVar variation 2738671 (VCV002738671.5), dbSNP rs2476506516, ClinGen allele CA357801148.
Genomic context (GRCh38, chr4:105,236,926, plus strand): 5'-GTCAGATGCACAGGCCAATTAAGGTGGAACCTGGATGCAAGCCACATGCCTGTATGCACA[C>T]AGCACCACCAGAAAACAAAACATGGAAAAAGGTAACTAAGCAAGAGAATCCACCTGCAAG-3'
Protein context (NP_001120680.1, residues 985-1005): PGCKPHACMH[Thr995Ile]APPENKTWKK

ClinVar aggregate classification (germline): Uncertain significance. Review status: criteria provided, multiple submitters, no conflicts (2 of 4 stars). 3 submissions from 3 submitters: Uncertain significance (3). Last evaluated 2026-06-15.

Conditions:
TET2-related disorder. Also called: TET2-related condition.

Allele frequency attached by ClinVar (database versions not stated): gnomAD exomes below 0.00001.
gnomAD v4.1: 2 of 1,614,096 alleles (0.00012%); highest among the groups gnomAD compares: South Asian, 0.0011%; no homozygotes.

Submissions (3):

PreventionGenetics, part of Exact Sciences
Classification: Uncertain significance for TET2-related condition. Last evaluated: 2026-06-15. Review status: criteria provided, single submitter. Criteria: ACMG Guidelines, 2015. Collection method: clinical testing. Allele origin: germline.
Comment: The TET2 c.2984C>T variant is predicted to result in the amino acid substitution p.Thr995Ile. To our knowledge, this variant has not been reported in the literature or in a large population database (gnomAD), indicating this variant is rare. At this time, the clinical significance of this variant is uncertain due to the absence of conclusive functional and genetic evidence.

Ambry Genetics
Classification: Uncertain significance. Last evaluated: 2025-06-03. Review status: criteria provided, single submitter. Criteria: Ambry Variant Classification Scheme 2023. Collection method: clinical testing. Allele origin: germline.
Comment: The p.T995I variant (also known as c.2984C>T), located in coding exon 1 of the TET2 gene, results from a C to T substitution at nucleotide position 2984. The threonine at codon 995 is replaced by isoleucine, an amino acid with similar properties. This amino acid position is conserved. In addition, this alteration is predicted to be tolerated by in silico analysis. Based on the available evidence, the clinical significance of this variant remains unclear.

Labcorp Genetics (formerly Invitae), Labcorp
Classification: Uncertain significance. Last evaluated: 2023-07-28. Review status: criteria provided, single submitter. Criteria: Invitae Variant Classification Sherloc (09022015). Collection method: clinical testing. Allele origin: germline.
Comment: In summary, the available evidence is currently insufficient to determine the role of this variant in disease. Therefore, it has been classified as a Variant of Uncertain Significance. An algorithm developed to predict the effect of missense changes on protein structure and function (PolyPhen-2) suggests that this variant is likely to be tolerated. This sequence change replaces threonine, which is neutral and polar, with isoleucine, which is neutral and non-polar, at codon 995 of the TET2 protein (p.Thr995Ile). This variant is not present in population databases (gnomAD no frequency). This variant has not been reported in the literature in individuals affected with TET2-related conditions.